The following is an entry in ClinVar:

NM_001379659.1(ZNF142):c.4471T>C (p.Cys1491Arg)

Gene: ZNF142 (zinc finger protein 142; minus strand). Cytogenetic location: 2q35.
Variant type: single nucleotide variant.
Coding change: c.4471T>C on transcript NM_001379659.1 (MANE Select); coding-DNA position 4471, T replaced by C.
Protein change: p.Cys1491Arg; replaces cysteine 1491 with arginine.
Molecular consequence: missense variant.
Genome position (GRCh38, 1-based): chr2:218,642,645, A>G on the plus strand (T>C on the coding strand, the complement: ZNF142 is on the minus strand). VCF-style: chr2-218642645-A-G. GRCh37 (hg19) VCF-style: chr2-219507368-A-G.
Other names: c.3382T>C, p.Cys1128Arg (NM_001366287.3, NM_001366288.3, NM_001366289.3); c.4471T>C, p.Cys1491Arg (NM_001366290.3, NM_001379660.1, NM_001379661.1); c.3871T>C, p.Cys1291Arg (NM_001366291.3, NM_001105537.5, NM_001379662.1); short protein forms C1128R, C1291R, C1491R.
Identifiers: ClinVar variation 1712581 (VCV001712581.2), dbSNP rs780238469, ClinGen allele CA2108768.
Genomic context (GRCh38, chr2:218,642,645, plus strand): 5'-CGGGGTGTCGGCGCAGAGCATGCTGCTTAAGTGCTGTCTCTGAGCTGAACTGGGCTTCAC[A>G]CTGGGAGCAGGCAAAGGCTGGGGTGCCTTGGTGGCAGCTGTTGACATGACGAGTGATGTC-3'
Protein context (NP_001366588.1, residues 1481-1501): QGTPAFACSQ[Cys1491Arg]EAQFSSETAL

ClinVar aggregate classification (germline): Uncertain significance (1 of 4 stars; one submission).

Allele frequency attached by ClinVar (database versions not stated): TOPMed 0.00002; ExAC 0.00001; gnomAD 0.00001; gnomAD exomes 0.00001.

Submission:

GeneDx
Classification: Uncertain significance. Last evaluated: 2022-04-27. Review status: criteria provided, single submitter. Criteria: GeneDx Variant Classification Process June 2021. Collection method: clinical testing. Allele origin: germline. Affected: yes.
Comment: Not observed at significant frequency in large population cohorts (gnomAD); In silico analysis supports that this missense variant has a deleterious effect on protein structure/function; Has not been previously published as pathogenic or benign to our knowledge